The following is an entry in ClinVar:

ClinVar aggregate classification (germline): Uncertain significance (1 of 4 stars; one submission).

Submission:

GeneDx
Classification: Uncertain significance. Last evaluated: 2019-05-06. Review status: criteria provided, single submitter. Criteria: GeneDx Variant Classification Process June 2021. Collection method: clinical testing. Allele origin: germline. Affected: yes.
Comment: Frameshift variant predicted to result in protein truncation as the last 164 amino acids are lost and replaced with 47 incorrect amino acids, although loss-of-function variants have not been reported downstream of this position in the protein; Has not been previously published as pathogenic or benign to our knowledge; Not observed in large population cohorts (Lek et al., 2016); Variants in candidate genes are classified as variants of uncertain significance in accordance with ACMG guidelines (Richards et al., 2015)

NM_001394372.1(BICRA):c.4190del (p.Gly1397fs)

Gene: BICRA (BRD4 interacting chromatin remodeling complex associated protein; plus strand). Cytogenetic location: 19q13.33.
Variant type: Deletion.
Coding change: c.4190del on transcript NM_001394372.1 (MANE Select); coding-DNA position 4190, one base deleted (G; older notation c.4190delG).
Protein change: p.Gly1397fs; shifts the reading frame from glycine 1397.
Molecular consequence: frameshift variant.
Genome position (GRCh38, 1-based): chr19:47,701,922, G deleted; the last of 6 consecutive G bases (chr19:47,701,917-47,701,922); deleting any one gives the same sequence. VCF-style (leftmost placement, unchanged base first): chr19-47701916-TG-T. GRCh37 (hg19) VCF-style: chr19-48205173-TG-T.
Other names: c.4190del, p.Gly1397fs (NM_015711.3); short protein forms G1397fs.
Identifiers: ClinVar variation 1320731 (VCV001320731.2), dbSNP rs2123617547, ClinGen allele CA633486554.